The following is an entry in ClinVar:

ClinVar aggregate classification (germline): Conflicting classifications of pathogenicity. Review status: criteria provided, conflicting classifications (1 of 4 stars). 4 submissions from 4 submitters: Pathogenic (1); Likely pathogenic (2); Uncertain significance (1). Last evaluated 2025-05-25.

Conditions:
Tumor predisposition syndrome 3 (TPDS3). Also called: Melanoma, cutaneous malignant, susceptibility to, 10; Glioma susceptibility 9; LONG TELOMERE SYNDROME, POT1-RELATED; POT1 Tumor Predisposition. Identifiers: Orphanet 618, MedGen C4014476, MONDO:0014368, OMIM 615848.
Hereditary cancer-predisposing syndrome. Also called: Tumor predisposition; Neoplastic Syndromes, Hereditary; Hereditary Cancer Syndrome; Hereditary neoplastic syndrome. Identifiers: Orphanet 140162, MedGen C0027672, MeSH D009386, MONDO:0015356.

Allele frequency attached by ClinVar (database versions not stated): 1000 Genomes Project 0.00020; gnomAD exomes below 0.00001 and 0.00001; gnomAD 0.00001; ExAC 0.00002; 1000 Genomes Project 30x 0.00016.
gnomAD v4.1: 2 of 1,603,680 alleles (0.00012%); highest among the groups gnomAD compares: East Asian, 0.0022%; no homozygotes.

Submissions (4):

Ambry Genetics
Classification: Uncertain significance for Hereditary cancer-predisposing syndrome. Last evaluated: 2025-05-25. Review status: criteria provided, single submitter. Criteria: Ambry Variant Classification Scheme 2023. Collection method: clinical testing. Allele origin: germline.
Comment: The c.991C>T variant (also known as p.Q331*), located in coding exon 8 of the POT1 gene, results from a C to T substitution at nucleotide position 991. This changes the amino acid from a glutamine to a stop codon within coding exon 8. This alteration was reported in melanoma cohort studies (Simonin-Wilmer I et al. J Med Genet, 2023 Jul;60:692-696). This nucleotide position is highly conserved in available vertebrate species. Nonsense variants are typically expected to result in loss of function by premature protein truncation or nonsense-mediated mRNA decay. However, in silico splice site analysis predicts that this alteration will weaken the native splice donor site and the resulting transcript is predicted to be in-frame. RNA studies have demonstrated that this alteration results in a transcript predicted to lead to a protein with an in-frame deletion of 19 amino acid(s); however, the exact functional impact of the deleted amino acid(s) is unknown at this time (Ambry internal data). Based on the available evidence, the clinical significance of this variant remains unclear.

Center for Genomic Medicine, Rigshospitalet, Copenhagen University Hospital
Classification: Likely pathogenic. Last evaluated: 2025-03-04. Review status: criteria provided, single submitter. Criteria: ACMG Guidelines, 2015. Collection method: clinical testing. Allele origin: germline.

Labcorp Genetics (formerly Invitae), Labcorp
Classification: Pathogenic for Tumor predisposition syndrome 3. Last evaluated: 2024-02-25. Review status: criteria provided, single submitter. Criteria: Invitae Variant Classification Sherloc (09022015). Collection method: clinical testing. Allele origin: germline.
Comment: This sequence change creates a premature translational stop signal (p.Gln331*) in the POT1 gene. It is expected to result in an absent or disrupted protein product. Loss-of-function variants in POT1 are known to be pathogenic (PMID: 32155570). This variant is present in population databases (rs531061783, gnomAD 0.006%). This variant has not been reported in the literature in individuals affected with POT1-related conditions. ClinVar contains an entry for this variant (Variation ID: 659157). Algorithms developed to predict the effect of sequence changes on RNA splicing suggest that this variant may disrupt the consensus splice site. For these reasons, this variant has been classified as Pathogenic.

Sema4
Classification: Likely pathogenic for Hereditary cancer-predisposing syndrome. Last evaluated: 2022-01-03. Review status: criteria provided, single submitter. Criteria: Sema4 Curation Guidelines. Collection method: curation. Allele origin: germline.
Comment: To the best of our knowledge, the POT1 c.991C>T (p.Q331X) variant has not been reported in individuals with POT1-related disease. This nonsense variant creates a premature stop codon at residue 331 of the POT1 protein. This alteration is expected to result in loss of function by premature protein truncation or nonsense-mediated mRNA decay. Structural analysis demonstrated that the C-terminal of POT1 is essential for protein-protein interaction (PMID: 28393832). It was observed in 2/250964 chromosomes across all populations, in the large and broad cohorts of the Genome Aggregation Database (PMID: 32461654). This variant has been reported in ClinVar (Variation ID 659157). Based on the current evidence available, this variant is interpreted as likely pathogenic.

Literature cited by the submitters: PubMed 36539277 (cited by Ambry Genetics); PubMed 33119245 (cited by Center for Genomic Medicine, Rigshospitalet, Copenhagen University Hospital); PubMed 32155570 (cited by Labcorp Genetics (formerly Invitae), Labcorp); PubMed 28393832 (cited by Sema4).

NM_015450.3(POT1):c.991C>T (p.Gln331Ter)

Gene: POT1 (protection of telomeres 1; minus strand). Cytogenetic location: 7q31.33.
Variant type: single nucleotide variant.
Coding change: c.991C>T on transcript NM_015450.3 (MANE Select); coding-DNA position 991, C replaced by T.
Protein change: p.Gln331Ter; replaces glutamine 331 with a stop codon.
Molecular consequence: nonsense. On other transcripts: non-coding transcript variant (3).
Genome position (GRCh38, 1-based): chr7:124,846,957, G>A on the plus strand (C>T on the coding strand, the complement: POT1 is on the minus strand). VCF-style: chr7-124846957-G-A. GRCh37 (hg19) VCF-style: chr7-124487011-G-A.
Other names: c.598C>T, p.Gln200Ter (NM_001042594.2); short protein forms Q200*, Q331*.
Identifiers: ClinVar variation 659157 (VCV000659157.10), dbSNP rs531061783, ClinGen allele CA4465269.